The following is an entry in ClinVar:

ClinVar aggregate classification (germline): Conflicting classifications of pathogenicity. Review status: criteria provided, conflicting classifications (1 of 4 stars). 2 submissions from 2 submitters: Uncertain significance (1); Likely benign (1). Last evaluated 2023-11-10.

Conditions:
Norman-Roberts syndrome (LIS2). Also called: Lissencephaly 2 (Norman-Roberts type). Identifiers: Orphanet 89844, MedGen C0796089, MONDO:0009760, OMIM 257320.
Familial temporal lobe epilepsy 7. Identifiers: Orphanet 101046, MedGen C4225327, MONDO:0014639, OMIM 616436.

Allele frequency attached by ClinVar (database versions not stated): gnomAD 0.00001; gnomAD exomes 0.00001 and 0.00003; ExAC 0.00003; TOPMed 0.00003.
gnomAD v4.1: 18 of 1,613,732 alleles (0.0011%); highest among the groups gnomAD compares: East Asian, 0.027%; no homozygotes.

Submissions (2):

Labcorp Genetics (formerly Invitae), Labcorp
Classification: Likely benign for Familial temporal lobe epilepsy 7; Norman-Roberts syndrome. Last evaluated: 2023-11-10. Review status: criteria provided, single submitter. Criteria: Invitae Variant Classification Sherloc (09022015). Collection method: clinical testing. Allele origin: germline.

GeneDx
Classification: Uncertain significance. Last evaluated: 2019-09-06. Review status: criteria provided, single submitter. Criteria: GeneDx Variant Classification Process June 2021. Collection method: clinical testing. Allele origin: germline. Affected: yes.
Comment: In silico analysis, which includes protein predictors and evolutionary conservation, supports that this variant does not alter protein structure/function; Observed in an individual with isolated hypogonadotropic hypogonadism (IHH) and not seen in controls (Zhou et al., 2018); This variant is associated with the following publications: (PMID: 30098700)

NM_005045.4(RELN):c.5023C>G (p.Pro1675Ala)

Gene: RELN (reelin; minus strand). Cytogenetic location: 7q22.1.
Variant type: single nucleotide variant.
Coding change: c.5023C>G on transcript NM_005045.4 (MANE Select); coding-DNA position 5023, C replaced by G.
Protein change: p.Pro1675Ala; replaces proline 1675 with alanine.
Molecular consequence: missense variant.
Genome position (GRCh38, 1-based): chr7:103,565,465, G>C on the plus strand (C>G on the coding strand, the complement: RELN is on the minus strand). VCF-style: chr7-103565465-G-C. GRCh37 (hg19) VCF-style: chr7-103205912-G-C.
Other names: c.5023C>G, p.Pro1675Ala (NM_173054.3); short protein forms P1675A.
Identifiers: ClinVar variation 1054171 (VCV001054171.10), dbSNP rs770657475, ClinGen allele CA4421340.